The following is an entry in ClinVar:

NM_000322.5(PRPH2):c.658C>G (p.Arg220Gly)

Gene: PRPH2 (peripherin 2; minus strand). Cytogenetic location: 6p21.1.
Variant type: single nucleotide variant.
Coding change: c.658C>G on transcript NM_000322.5 (MANE Select); coding-DNA position 658, C replaced by G.
Protein change: p.Arg220Gly; replaces arginine 220 with glycine.
Molecular consequence: missense variant.
Genome position (GRCh38, 1-based): chr6:42,704,535, G>C on the plus strand (C>G on the coding strand, the complement: PRPH2 is on the minus strand). VCF-style: chr6-42704535-G-C. GRCh37 (hg19) VCF-style: chr6-42672273-G-C.
Other names: c.658C>G (NM_000322.4); short protein forms R220G.
Identifiers: ClinVar variation 2048263 (VCV002048263.5), dbSNP rs61755809, ClinGen allele CA364135477.

ClinVar aggregate classification (germline): Conflicting classifications of pathogenicity. Review status: criteria provided, conflicting classifications (1 of 4 stars). 2 submissions from 2 submitters: Likely pathogenic (1); Uncertain significance (1). Last evaluated 2025-05-06.

Conditions:
PRPH2-related disorder. Also called: PRPH2-related condition; PRPH2-related disorders. Identifiers: MedGen CN239395.

Submissions (2):

GeneDx
Classification: Uncertain significance. Last evaluated: 2025-05-06. Review status: criteria provided, single submitter. Criteria: GeneDx Variant Classification Process June 2021. Collection method: clinical testing. Allele origin: germline. Affected: yes.
Comment: Reported in a patient with inherited retinal disease in the published literature; however, detailed clinical information was not provided (PMID: 38474159); Not observed at significant frequency in large population cohorts (gnomAD); In silico analysis supports that this missense variant has a deleterious effect on protein structure/function; This variant is associated with the following publications: (PMID: 38474159)

Labcorp Genetics (formerly Invitae), Labcorp
Classification: Likely pathogenic for PRPH2-related disorder. Last evaluated: 2022-09-17. Review status: criteria provided, single submitter. Criteria: Invitae Variant Classification Sherloc (09022015). Collection method: clinical testing. Allele origin: germline.
Comment: In summary, the currently available evidence indicates that the variant is pathogenic, but additional data are needed to prove that conclusively. Therefore, this variant has been classified as Likely Pathogenic. This variant disrupts the p.Arg220 amino acid residue in PRPH2. Other variant(s) that disrupt this residue have been determined to be pathogenic (PMID: 9443872, 16916875, 17653047, 29555955). This suggests that this residue is clinically significant, and that variants that disrupt this residue are likely to be disease-causing. Advanced modeling of protein sequence and biophysical properties (such as structural, functional, and spatial information, amino acid conservation, physicochemical variation, residue mobility, and thermodynamic stability) performed at Invitae indicates that this missense variant is expected to disrupt PRPH2 protein function. This variant has not been reported in the literature in individuals affected with PRPH2-related conditions. This variant is not present in population databases (gnomAD no frequency). This sequence change replaces arginine, which is basic and polar, with glycine, which is neutral and non-polar, at codon 220 of the PRPH2 protein (p.Arg220Gly).

Literature cited by the submitters: PubMed 9443872 (cited by Labcorp Genetics (formerly Invitae), Labcorp); PubMed 16916875 (cited by Labcorp Genetics (formerly Invitae), Labcorp); PubMed 17653047 (cited by Labcorp Genetics (formerly Invitae), Labcorp); PubMed 29555955 (cited by Labcorp Genetics (formerly Invitae), Labcorp).